The following is an entry in ClinVar:

NM_000660.7(TGFB1):c.538C>T (p.Arg180Ter)

Gene: TGFB1 (transforming growth factor beta 1; minus strand). Cytogenetic location: 19q13.2.
Variant type: single nucleotide variant.
Coding change: c.538C>T on transcript NM_000660.7 (MANE Select); coding-DNA position 538, C replaced by T.
Protein change: p.Arg180Ter; replaces arginine 180 with a stop codon.
Molecular consequence: nonsense.
Genome position (GRCh38, 1-based): chr19:41,344,843, G>A on the plus strand (C>T on the coding strand, the complement: TGFB1 is on the minus strand). VCF-style: chr19-41344843-G-A. GRCh37 (hg19) VCF-style: chr19-41850748-G-A.
Other names: short protein forms R180*.
Identifiers: ClinVar variation 2719525 (VCV002719525.3), dbSNP rs868227563, ClinGen allele CA308512789.

ClinVar aggregate classification (germline): Uncertain significance (1 of 4 stars; one submission).

Allele frequency attached by ClinVar (database versions not stated): gnomAD exomes below 0.00001.
gnomAD v4.1: 2 of 1,597,014 alleles (0.00013%); highest among the groups gnomAD compares: South Asian, 0.0011%; no homozygotes.

Submission:

Labcorp Genetics (formerly Invitae), Labcorp
Classification: Uncertain significance. Last evaluated: 2023-12-07. Review status: criteria provided, single submitter. Criteria: Invitae Variant Classification Sherloc (09022015). Collection method: clinical testing. Allele origin: germline.
Comment: This sequence change creates a premature translational stop signal (p.Arg180*) in the TGFB1 gene. It is expected to result in an absent or disrupted protein product. However, the current clinical and genetic evidence is not sufficient to establish whether loss-of-function variants in TGFB1 cause disease. This variant is not present in population databases (gnomAD no frequency). This variant has not been reported in the literature in individuals affected with TGFB1-related conditions. In summary, the available evidence is currently insufficient to determine the role of this variant in disease. Therefore, it has been classified as a Variant of Uncertain Significance.